The following is an entry in ClinVar:

ClinVar aggregate classification (germline): Conflicting classifications of pathogenicity. Review status: criteria provided, conflicting classifications (1 of 4 stars). 12 submissions from 12 submitters: Uncertain significance (3); Likely benign (6). 3 of the submissions do not count toward it. Last evaluated 2026-07-01.

Conditions:
LOXHD1-related disorder. Also called: LOXHD1-related condition.
Inborn genetic diseases. Identifiers: MedGen C0950123, MeSH D030342.
Autosomal recessive nonsyndromic hearing loss 77. Identifiers: Orphanet 90636, MedGen C2746083, MONDO:0013119, OMIM 613079.

Allele frequency attached by ClinVar (database versions not stated): 1000 Genomes Project 0.00200; ExAC 0.00203; gnomAD exomes 0.00278 and 0.00411; gnomAD 0.00316 and 0.00307; 1000 Genomes Project 30x 0.00219; TOPMed 0.00315; ESP Exome Variant Server 0.00526.
gnomAD v4.1: 6,187 of 1,551,990 alleles (0.4%); highest among the groups gnomAD compares: Non-Finnish European, 0.48%; 13 homozygotes.

Submissions (12):

CeGaT Center for Human Genetics Tuebingen
Classification: Likely benign. Last evaluated: 2026-07-01. Review status: criteria provided, single submitter. Criteria: CeGaT Center For Human Genetics Tuebingen Variant Classification Criteria Version 2. Collection method: clinical testing. Allele origin: germline. Affected: yes. Observed: 4 variant alleles.
Comment: LOXHD1: BP4, BS2

Labcorp Genetics (formerly Invitae), Labcorp
Classification: Likely benign. Last evaluated: 2026-02-02. Review status: criteria provided, single submitter. Criteria: Invitae Variant Classification Sherloc (09022015). Collection method: clinical testing. Allele origin: germline.

Blueprint Genetics
Classification: Likely benign. Last evaluated: 2024-11-27. Review status: criteria provided, single submitter. Criteria: ACMG Guidelines, 2015. Collection method: clinical testing. Allele origin: germline.

Ambry Genetics
Classification: Uncertain significance for Inborn genetic diseases. Last evaluated: 2023-12-17. Review status: criteria provided, single submitter. Criteria: Ambry Variant Classification Scheme 2023. Collection method: clinical testing. Allele origin: germline.

ARUP Laboratories, Molecular Genetics and Genomics, ARUP Laboratories
Classification: Likely benign for Autosomal recessive nonsyndromic hearing loss 77. Last evaluated: 2023-09-28. Review status: criteria provided, single submitter. Criteria: ARUP Molecular Germline Variant Investigation Process 2024. Collection method: clinical testing. Allele origin: germline.

GeneDx
Classification: Likely benign. Last evaluated: 2018-03-30. Review status: criteria provided, single submitter. Criteria: GeneDx Variant Classification Process June 2021. Collection method: clinical testing. Allele origin: germline. Affected: yes.

Laboratory for Molecular Medicine, Mass General Brigham Personalized Medicine
Classification: Likely benign. Last evaluated: 2017-09-14. Review status: criteria provided, single submitter. Criteria: LMM Criteria. Collection method: clinical testing. Allele origin: germline. Observed: 11 variant alleles.
Comment: p.Asn1872Lys in exon 36 of LOXHD1: This variant is not expected to have clinical significance because it has been identified in 0.4% (309/73462) of European chr omosomes, including 1 homozygous individual, by the Genome Aggregation Database (gnomAD; dbSNP rs61733519).

Illumina Laboratory Services, Illumina
Classification: Uncertain significance for Autosomal recessive nonsyndromic hearing loss 77. Last evaluated: 2017-04-27. Review status: criteria provided, single submitter. Criteria: ICSL Variant Classification Criteria 13 December 2019. Collection method: clinical testing. Allele origin: germline.

Eurofins Ntd Llc (ga)
Classification: Uncertain significance. Last evaluated: 2017-03-31. Review status: criteria provided, single submitter. Criteria: EGL Classification Definitions 2015. Collection method: clinical testing. Allele origin: germline. Observed: 3 variant alleles, 3 heterozygotes.

PreventionGenetics, part of Exact Sciences
Classification: Likely benign for LOXHD1-related condition. Last evaluated: 2020-10-26. Review status: no assertion criteria provided. Collection method: clinical testing. Allele origin: germline. Not counted in ClinVar's aggregate classification.
Comment: This variant is classified as likely benign based on ACMG/AMP sequence variant interpretation guidelines (Richards et al. 2015 PMID: 25741868, with internal and published modifications).

Natera, Inc.
Classification: Likely benign for Autosomal recessive deafness type 77. Last evaluated: 2019-11-11. Review status: no assertion criteria provided. Collection method: clinical testing. Allele origin: germline. Not counted in ClinVar's aggregate classification.

Division of Human Genetics, Children's Hospital of Philadelphia
Classification: Uncertain significance for Deafness, autosomal recessive 77. Last evaluated: 2015-03-20. Review status: no assertion criteria provided. Collection method: research. Allele origin: paternal. Affected: yes. Study: CSER-PediSeq. Not counted in ClinVar's aggregate classification.
Comment: This test identified a heterozygous variant (c.5616C>A;p.Asn1872Lys) in the LOXHD1 gene. This gene has been associated with an autosomal recessive form of hearing loss (DFNB77; MIM: 613079). This variant is considered a variant of unknown significance, as it has not been reported in literature; however, it was seen in 0.2% of individuals in ExAC.

NM_001384474.1(LOXHD1):c.5802C>A (p.Asn1934Lys)

Gene: LOXHD1 (lipoxygenase homology PLAT domains 1; minus strand). Cytogenetic location: 18q21.1.
Variant type: single nucleotide variant.
Coding change: c.5802C>A on transcript NM_001384474.1 (MANE Select); coding-DNA position 5802, C replaced by A.
Protein change: p.Asn1934Lys; replaces asparagine 1934 with lysine.
Molecular consequence: missense variant.
Genome position (GRCh38, 1-based): chr18:46,505,914, G>T on the plus strand (C>A on the coding strand, the complement: LOXHD1 is on the minus strand). VCF-style: chr18-46505914-G-T. GRCh37 (hg19) VCF-style: chr18-44085877-G-T.
Other names: c.2469C>A, p.Asn823Lys (NM_001145472.3); c.519C>A, p.Asn173Lys (NM_001145473.3, NM_001173129.2); c.2181C>A, p.Asn727Lys (NM_001308013.2); c.5616C>A, p.Asn1872Lys (NM_144612.7); short protein forms N1872K, N823K, N727K, N173K, N1934K.
Identifiers: ClinVar variation 47946 (VCV000047946.58), dbSNP rs61733519, ClinGen allele CA142236.